The following is an entry in ClinVar:

ClinVar aggregate classification (germline): Uncertain significance (1 of 4 stars; one submission).

Allele frequency attached by ClinVar (database versions not stated): TOPMed 0.00001.

Submission:

Labcorp Genetics (formerly Invitae), Labcorp
Classification: Uncertain significance. Last evaluated: 2022-04-25. Review status: criteria provided, single submitter. Criteria: Invitae Variant Classification Sherloc (09022015). Collection method: clinical testing. Allele origin: germline.
Comment: This sequence change replaces threonine, which is neutral and polar, with isoleucine, which is neutral and non-polar, at codon 361 of the MID1 protein (p.Thr361Ile). This variant is not present in population databases (gnomAD no frequency). This variant has not been reported in the literature in individuals affected with MID1-related conditions. Algorithms developed to predict the effect of missense changes on protein structure and function are either unavailable or do not agree on the potential impact of this missense change (SIFT: "Deleterious"; PolyPhen-2: "Benign"; Align-GVGD: "Class C65"). In summary, the available evidence is currently insufficient to determine the role of this variant in disease. Therefore, it has been classified as a Variant of Uncertain Significance.

NM_000381.4(MID1):c.1082C>T (p.Thr361Ile)

Gene: MID1 (midline 1; minus strand). Cytogenetic location: Xp22.2.
Variant type: single nucleotide variant.
Coding change: c.1082C>T on transcript NM_000381.4 (MANE Select); coding-DNA position 1082, C replaced by T.
Protein change: p.Thr361Ile; replaces threonine 361 with isoleucine.
Molecular consequence: missense variant.
Genome position (GRCh38, 1-based): chrX:10,474,682, G>A on the plus strand (C>T on the coding strand, the complement: MID1 is on the minus strand). VCF-style: chrX-10474682-G-A. GRCh37 (hg19) VCF-style: chrX-10442722-G-A.
Other names: c.1082C>T, p.Thr361Ile (NM_001098624.2, NM_001193277.1, NM_001193279.1 and 2 more transcripts); c.1235C>T, p.Thr412Ile (NM_001193278.1); c.968C>T, p.Thr323Ile (NM_001193280.1, NM_033289.2); short protein forms T323I, T361I, T412I.
Identifiers: ClinVar variation 1919747 (VCV001919747.2), dbSNP rs750257635, ClinGen allele CA412052556.